The following is an entry in ClinVar:

ClinVar aggregate classification (germline): Conflicting classifications of pathogenicity. Review status: criteria provided, conflicting classifications (1 of 4 stars). 2 submissions from 2 submitters: Uncertain significance (1); Likely benign (1). Last evaluated 2024-04-10.

Conditions:
3-Methylglutaconic aciduria type 2 (BTHS). Also called: Barth syndrome; CARDIOSKELETAL MYOPATHY WITH NEUTROPENIA AND ABNORMAL MITOCHONDRIA. Identifiers: Orphanet 111, MedGen C0574083, MONDO:0010543, OMIM 302060.

Allele frequency attached by ClinVar (database versions not stated): TOPMed below 0.00001; gnomAD exomes 0.00001 and 0.00004; ExAC 0.00002.
gnomAD v4.1: 9 of 1,211,454 alleles (0.00074%); highest among the groups gnomAD compares: Admixed American, 0.02%; no homozygotes.

Submissions (2):

Labcorp Genetics (formerly Invitae), Labcorp
Classification: Likely benign for 3-Methylglutaconic aciduria type 2. Last evaluated: 2024-04-10. Review status: criteria provided, single submitter. Criteria: Invitae Variant Classification Sherloc (09022015). Collection method: clinical testing. Allele origin: germline.

Laboratory for Molecular Medicine, Mass General Brigham Personalized Medicine
Classification: Uncertain significance. Last evaluated: 2012-07-07. Review status: criteria provided, single submitter. Criteria: LMM Criteria. Collection method: clinical testing. Allele origin: germline. Observed: 1 variant allele.
Comment: Variant classified as Uncertain Significance - Favor Benign. The 584-7T>C varian t in TAZ has not been reported in the literature nor previously identified by ou r laboratory. This variant affects the splice consensus sequence but computational tools d o not predict an effect (their accuracy is unknown). Additional evidence is need ed to establish its clinical significance.

NM_000116.5(TAFAZZIN):c.584-7T>C

Gene: TAFAZZIN (tafazzin, phospholipid-lysophospholipid transacylase; plus strand). Cytogenetic location: Xq28.
Variant type: single nucleotide variant.
Coding change: c.584-7T>C on transcript NM_000116.5 (MANE Select); 7 bases into the intron before coding-DNA position 584, T replaced by C.
Molecular consequence: intron variant.
Genome position (GRCh38, 1-based): chrX:154,420,025, T>C. VCF-style: chrX-154420025-T-C. GRCh37 (hg19) VCF-style: chrX-153648364-T-C.
Other names: c.596-7T>C (NM_001303465.2); c.542-7T>C (NM_181312.4); c.494-7T>C (NM_181311.4); c.452-7T>C (NM_181313.4).
Identifiers: ClinVar variation 42263 (VCV000042263.9), dbSNP rs397515745, ClinGen allele CA131109.
Genomic context (GRCh38, chrX:154,420,025, plus strand): 5'-GAGGCTGGCACAGAAGCTTGGCTCAGGGCCCAGCTTATGCTAACATTTCTACCTCCCCCC[T>C]GGGCAGGAATCGGGCGCCTGATTGCTGAGTGTCATCTCAACCCCATCATCCTGCCCCTGT-3'